The following is an entry in ClinVar:

NM_006005.3(WFS1):c.255A>T (p.Glu85Asp)

Gene: WFS1 (wolframin ER transmembrane glycoprotein; plus strand). Cytogenetic location: 4p16.1.
Variant type: single nucleotide variant.
Coding change: c.255A>T on transcript NM_006005.3 (MANE Select); coding-DNA position 255, A replaced by T.
Protein change: p.Glu85Asp; replaces glutamic acid 85 with aspartic acid.
Molecular consequence: missense variant.
Genome position (GRCh38, 1-based): chr4:6,287,115, A>T. VCF-style: chr4-6287115-A-T. GRCh37 (hg19) VCF-style: chr4-6288842-A-T.
Other names: c.255A>T, p.Glu85Asp (NM_001145853.1); short protein forms E85D.
Identifiers: ClinVar variation 1709941 (VCV001709941.4), dbSNP rs2474168077, ClinGen allele CA356170869.

ClinVar aggregate classification (germline): Uncertain significance. Review status: criteria provided, multiple submitters, no conflicts (2 of 4 stars). 3 submissions from 3 submitters: Uncertain significance (2). 1 of the submissions does not count toward it. Last evaluated 2023-01-05.

Conditions:
Autosomal dominant nonsyndromic hearing loss 6 (LFSNHL). Also called: DEAFNESS, AUTOSOMAL DOMINANT 14; DEAFNESS, AUTOSOMAL DOMINANT 38; DEAFNESS, AUTOSOMAL DOMINANT 6; Autosomal dominant nonsyndromic deafness 6. Identifiers: Orphanet 90635, MedGen C1833021, MONDO:0010963, OMIM 600965.
Optic atrophy. Identifiers: MedGen C0029124, MONDO:0003608, HP:0000648.

Allele frequency attached by ClinVar (database versions not stated): gnomAD exomes below 0.00001.
gnomAD v4.1: 2 of 1,559,550 alleles (0.00013%); highest among the groups gnomAD compares: Middle Eastern, 0.017%; no homozygotes.

Submissions (3):

Blueprint Genetics
Classification: Uncertain significance. Last evaluated: 2023-01-05. Review status: criteria provided, single submitter. Criteria: ACMG Guidelines, 2015. Collection method: clinical testing. Allele origin: germline.

MGZ Medical Genetics Center
Classification: Uncertain significance for Autosomal dominant nonsyndromic hearing loss 6. Last evaluated: 2021-09-07. Review status: criteria provided, single submitter. Criteria: ACMG Guidelines, 2015. Collection method: clinical testing. Allele origin: germline. Affected: yes. Observed: 1 variant allele.
Comment: ACMG criteria applied: PM2_SUP

Institute of Human Genetics, Univ. Regensburg, Univ. Regensburg
Classification: Uncertain significance for Optic atrophy. Last evaluated: 2021-01-01. Review status: no assertion criteria provided. Criteria: ACMG Guidelines, 2015. Collection method: clinical testing. Allele origin: germline. Affected: yes. Not counted in ClinVar's aggregate classification.